The following is an entry in ClinVar:

NM_020937.4(FANCM):c.2745T>C (p.Asn915=)

Gene: FANCM (FA complementation group M; plus strand). Cytogenetic location: 14q21.2.
Variant type: single nucleotide variant.
Coding change: c.2745T>C on transcript NM_020937.4 (MANE Select); coding-DNA position 2745, T replaced by C.
Protein change: p.Asn915=; no amino-acid change (asparagine 915 retained).
Molecular consequence: synonymous variant.
Genome position (GRCh38, 1-based): chr14:45,175,499, T>C. VCF-style: chr14-45175499-T-C. GRCh37 (hg19) VCF-style: chr14-45644702-T-C.
Other names: c.2745T>C (NM_020937.3); c.2667T>C, p.Asn889= (NM_001308133.2).
Identifiers: ClinVar variation 702529 (VCV000702529.14), dbSNP rs915093857, ClinGen allele CA259627866.

ClinVar aggregate classification (germline): Likely benign. Review status: criteria provided, multiple submitters, no conflicts (2 of 4 stars). 4 submissions from 4 submitters: Likely benign (3). 1 of the submissions does not count toward it. Last evaluated 2025-01-07.

Conditions:
Fanconi anemia (FA). Also called: Fanconi's anemia. Identifiers: Orphanet 84, MedGen C0015625, MeSH D005199, MONDO:0019391.
FANCM-related disorder. Also called: FANCM-related condition.
Inborn genetic diseases. Identifiers: MedGen C0950123, MeSH D030342.

Allele frequency attached by ClinVar (database versions not stated): gnomAD 0.00001; gnomAD exomes 0.00001; TOPMed 0.00001.
gnomAD v4.1: 24 of 1,612,904 alleles (0.0015%); highest among the groups gnomAD compares: Middle Eastern, 0.049%; no homozygotes.

Submissions (4):

Labcorp Genetics (formerly Invitae), Labcorp
Classification: Likely benign for Fanconi anemia. Last evaluated: 2025-01-07. Review status: criteria provided, single submitter. Criteria: Invitae Variant Classification Sherloc (09022015). Collection method: clinical testing. Allele origin: germline.

Ambry Genetics
Classification: Likely benign for Inborn genetic diseases. Last evaluated: 2024-12-25. Review status: criteria provided, single submitter. Criteria: Ambry Variant Classification Scheme 2023. Collection method: clinical testing. Allele origin: germline.

Blueprint Genetics
Classification: Likely benign. Last evaluated: 2022-02-22. Review status: criteria provided, single submitter. Criteria: ACMG Guidelines, 2015. Collection method: clinical testing. Allele origin: germline.

PreventionGenetics, part of Exact Sciences
Classification: Likely benign for FANCM-related condition. Last evaluated: 2020-01-07. Review status: no assertion criteria provided. Collection method: clinical testing. Allele origin: germline. Not counted in ClinVar's aggregate classification.
Comment: This variant is classified as likely benign based on ACMG/AMP sequence variant interpretation guidelines (Richards et al. 2015 PMID: 25741868, with internal and published modifications).